The following is an entry in ClinVar:

ClinVar aggregate classification (germline): Likely pathogenic (1 of 4 stars; one submission).

Conditions:
Legius syndrome. Identifiers: Orphanet 137605, MedGen C1969623, MONDO:0012669, OMIM 611431. Disease mechanism: loss of function.

Submission:

Greenwood Genetic Center Diagnostic Laboratories, Greenwood Genetic Center
Classification: Likely pathogenic for Legius syndrome. Last evaluated: 2025-11-04. Review status: criteria provided, single submitter. Criteria: ACMG Guidelines, 2015. Collection method: clinical testing. Allele origin: germline. Affected: yes.
Comment: PVS1, PM2

NM_152594.3(SPRED1):c.376+2T>C

Gene: SPRED1 (sprouty related EVH1 domain containing 1; plus strand). Cytogenetic location: 15q14.
Variant type: single nucleotide variant.
Coding change: c.376+2T>C on transcript NM_152594.3 (MANE Select); the canonical splice donor site of the intron after coding-DNA position 376, T replaced by C.
Molecular consequence: splice donor variant.
Genome position (GRCh38, 1-based): chr15:38,322,411, T>C. VCF-style: chr15-38322411-T-C. GRCh37 (hg19) VCF-style: chr15-38614612-T-C.
Identifiers: ClinVar variation 4845440 (VCV004845440.1).